The following is an entry in ClinVar:

NM_003072.5(SMARCA4):c.2275-5T>C

Gene: SMARCA4 (SWI/SNF related BAF chromatin remodeling complex subunit ATPase 4; plus strand). Cytogenetic location: 19p13.2.
Variant type: single nucleotide variant.
Coding change: c.2275-5T>C on transcript NM_003072.5 (MANE Select); 5 bases into the intron before coding-DNA position 2275, T replaced by C.
Molecular consequence: intron variant.
Genome position (GRCh38, 1-based): chr19:11,012,944, T>C. VCF-style: chr19-11012944-T-C. GRCh37 (hg19) VCF-style: chr19-11123620-T-C.
Other names: c.2275-5T>C (NM_001128844.3, NM_001128849.3, NM_001128847.4 and 7 more transcripts).
Identifiers: ClinVar variation 4717373 (VCV004717373.2).

ClinVar aggregate classification (germline): Conflicting classifications of pathogenicity. Review status: criteria provided, conflicting classifications (1 of 4 stars). 2 submissions from 2 submitters: Uncertain significance (1); Likely benign (1). Last evaluated 2026-06-18.

Conditions:
Rhabdoid tumor predisposition syndrome 2 (RTPS2). Identifiers: Orphanet 231108, Orphanet 69077, MedGen C2750074, MONDO:0013224, OMIM 613325.
Hereditary cancer-predisposing syndrome. Also called: Hereditary Cancer Syndrome; Hereditary neoplastic syndrome; Neoplastic Syndromes, Hereditary; Tumor predisposition. Identifiers: Orphanet 140162, MedGen C0027672, MeSH D009386, MONDO:0015356.

Submissions (2):

Ambry Genetics
Classification: Uncertain significance for Hereditary cancer-predisposing syndrome. Last evaluated: 2026-06-18. Review status: criteria provided, single submitter. Criteria: Ambry Variant Classification Scheme 2023. Collection method: clinical testing. Allele origin: germline.
Comment: The c.2275-5T>C intronic variant results from a T to C substitution 5 nucleotides upstream from coding exon 15 in the SMARCA4 gene. This nucleotide position is not well conserved in available vertebrate species. In silico splice site analysis predicts that this alteration will not have any significant effect on splicing. Based on the available evidence, the clinical significance of this variant remains unclear.

Labcorp Genetics (formerly Invitae), Labcorp
Classification: Likely benign for Rhabdoid tumor predisposition syndrome 2. Last evaluated: 2025-04-13. Review status: criteria provided, single submitter. Criteria: Invitae Variant Classification Sherloc (09022015). Collection method: clinical testing. Allele origin: germline.